The following is an entry in ClinVar:

NM_004706.4(ARHGEF1):c.1141G>T (p.Gly381Trp)

Gene: ARHGEF1 (Rho guanine nucleotide exchange factor 1; plus strand). Cytogenetic location: 19q13.2.
Variant type: single nucleotide variant.
Coding change: c.1141G>T on transcript NM_004706.4 (MANE Select); coding-DNA position 1141, G replaced by T.
Protein change: p.Gly381Trp; replaces glycine 381 with tryptophan.
Molecular consequence: missense variant. On other transcripts: non-coding transcript variant (2).
Genome position (GRCh38, 1-based): chr19:41,898,461, G>T. VCF-style: chr19-41898461-G-T. GRCh37 (hg19) VCF-style: chr19-42402610-G-T.
Other names: c.1186G>T (NM_199002.1); c.1309G>T, p.Gly437Trp (NM_001396000.1); c.1042G>T, p.Gly348Trp (NM_001396002.1, NM_001396004.1, NM_198977.2); c.1141G>T, p.Gly381Trp (NM_001396003.1, NM_001396006.1); c.1186G>T, p.Gly396Trp (NM_199002.2); short protein forms G437W, G396W, G348W, G381W.
Identifiers: ClinVar variation 1938461 (VCV001938461.6), dbSNP rs1276540575, ClinGen allele CA406058038.

ClinVar aggregate classification (germline): Uncertain significance. Review status: criteria provided, multiple submitters, no conflicts (2 of 4 stars). 2 submissions from 2 submitters: Uncertain significance (2). Last evaluated 2025-04-14.

Allele frequency attached by ClinVar (database versions not stated): gnomAD 0.00001; TOPMed 0.00004.
gnomAD v4.1: 6 of 1,547,308 alleles (0.00039%); highest among the groups gnomAD compares: Admixed American, 0.004%; no homozygotes.

Submissions (2):

Labcorp Genetics (formerly Invitae), Labcorp
Classification: Uncertain significance. Last evaluated: 2025-04-14. Review status: criteria provided, single submitter. Criteria: Invitae Variant Classification Sherloc (09022015). Collection method: clinical testing. Allele origin: germline.
Comment: This sequence change replaces glycine, which is neutral and non-polar, with tryptophan, which is neutral and slightly polar, at codon 396 of the ARHGEF1 protein (p.Gly396Trp). The frequency data for this variant in the population databases is considered unreliable, as metrics indicate poor data quality at this position in the gnomAD database. This variant has not been reported in the literature in individuals affected with ARHGEF1-related conditions. ClinVar contains an entry for this variant (Variation ID: 1938461). An algorithm developed to predict the effect of missense changes on protein structure and function (PolyPhen-2) suggests that this variant is likely to be disruptive. In summary, the available evidence is currently insufficient to determine the role of this variant in disease. Therefore, it has been classified as a Variant of Uncertain Significance.

Ambry Genetics
Classification: Uncertain significance. Last evaluated: 2023-11-17. Review status: criteria provided, single submitter. Criteria: Ambry Variant Classification Scheme 2023. Collection method: clinical testing. Allele origin: germline.